The following is an entry in ClinVar:

NM_025136.4(OPA3):c.*3884G>A

Genes: OPA3 (outer mitochondrial membrane lipid metabolism regulator OPA3; minus strand), OPA3-RTN2 (OPA3-RTN2 readthrough; minus strand). Cytogenetic location: 19q13.32.
Variant type: single nucleotide variant.
Coding change: c.*3884G>A on transcript NM_025136.4 (MANE Select); 3884 bases downstream of the stop codon, G replaced by A.
Molecular consequence: 3 prime UTR variant. On other transcripts: intron variant (1).
Genome position (GRCh38, 1-based): chr19:45,549,630, C>T on the plus strand (G>A on the coding strand, the complement: OPA3 is on the minus strand). VCF-style: chr19-45549630-C-T. GRCh37 (hg19) VCF-style: chr19-46052888-C-T.
Other names: c.143-20174G>A (NM_001017989.3).
Identifiers: ClinVar variation 329615 (VCV000329615.5), dbSNP rs187028696, ClinGen allele CA10652571.

ClinVar aggregate classification (germline): Conflicting classifications of pathogenicity. Review status: criteria provided, conflicting classifications (1 of 4 stars). 2 submissions from 1 submitter: Uncertain significance (1); Benign (1). Last evaluated 2018-01-12.

Conditions:
Optic atrophy 3 (OPA3). Also called: OPTIC ATROPHY 3, AUTOSOMAL DOMINANT; Optic atrophy, cataract, and neurologic disorder; Optic atrophy 3 with cataract. Identifiers: Orphanet 67036, MedGen C1833809, MONDO:0008133, OMIM 165300.
3-Methylglutaconic aciduria type 3 (MGCA3). Also called: OPA3, AUTOSOMAL RECESSIVE; OPTIC ATROPHY 3, AUTOSOMAL RECESSIVE; Costeff Syndrome; OPA3-Related 3-Methylglutaconic Aciduria. Identifiers: Orphanet 67047, MedGen C0574084, MONDO:0009787, OMIM 258501.

Allele frequency attached by ClinVar (database versions not stated): 1000 Genomes Project 0.00060; 1000 Genomes Project 30x 0.00062; gnomAD 0.00128; TOPMed 0.00161; gnomAD exomes 0.00223.
gnomAD v4.1: 1,579 of 780,334 alleles (0.2%); highest among the groups gnomAD compares: Non-Finnish European, 0.23%; 3 homozygotes.

Submissions (2):

Illumina Laboratory Services, Illumina
Classification: Benign for Optic atrophy 3. Last evaluated: 2018-01-12. Review status: criteria provided, single submitter. Criteria: ICSL Variant Classification Criteria 13 December 2019. Collection method: clinical testing. Allele origin: germline.
Comment: This variant was observed in the ICSL laboratory as part of a predisposition screen in an ostensibly healthy population. It had not been previously curated by ICSL or reported in the Human Gene Mutation Database (HGMD: prior to June 1st, 2018), and was therefore a candidate for classification through an automated scoring system. Utilizing variant allele frequency, disease prevalence and penetrance estimates, and inheritance mode, an automated score was calculated to assess if this variant is too frequent to cause the disease. Based on the score and internal cut-off values, a variant classified as benign is not then subjected to further curation. The score for this variant resulted in a classification of benign for this disease.

Illumina Laboratory Services, Illumina
Classification: Uncertain significance for 3-Methylglutaconic aciduria type 3. Last evaluated: 2018-01-12. Review status: criteria provided, single submitter. Criteria: ICSL Variant Classification Criteria 13 December 2019. Collection method: clinical testing. Allele origin: germline.